The following is an entry in ClinVar:

NM_001253697.2(ERBIN):c.3580C>T (p.Arg1194Cys)

Gene: ERBIN (erbb2 interacting protein; plus strand). Cytogenetic location: 5q12.3.
Variant type: single nucleotide variant.
Coding change: c.3580C>T on transcript NM_001253697.2 (MANE Select); coding-DNA position 3580, C replaced by T.
Protein change: p.Arg1194Cys; replaces arginine 1194 with cysteine.
Molecular consequence: missense variant.
Genome position (GRCh38, 1-based): chr5:66,054,898, C>T. VCF-style: chr5-66054898-C-T. GRCh37 (hg19) VCF-style: chr5-65350726-C-T.
Other names: c.3580C>T, p.Arg1194Cys (NM_001006600.3, NM_001253698.2, NM_001253699.2 and 1 more transcripts); c.3568C>T, p.Arg1190Cys (NM_001253701.2); c.3580C>T (NM_001006600.2); short protein forms R1190C, R1194C.
Identifiers: ClinVar variation 3628848 (VCV003628848.3).
Genomic context (GRCh38, chr5:66,054,898, plus strand): 5'-AATGCAAGGGTTGGTTCTGAGCATTCTTTATTAGATCCTCCAGGAAAAAGTAAAGTTCCT[C>T]GTGACTGGAGAGAACAAGTACTTCGACATATTGAAGCCAAAAAGTTAGAAAAGGTAATTG-3'
Protein context (NP_001240626.1, residues 1184-1204): LDPPGKSKVP[Arg1194Cys]DWREQVLRHI

ClinVar aggregate classification (germline): Uncertain significance. Review status: criteria provided, multiple submitters, no conflicts (2 of 4 stars). 2 submissions from 2 submitters: Uncertain significance (2). Last evaluated 2026-05-15.

Conditions:
ERBIN-related disorder. Also called: ERBIN-related condition.

gnomAD v4.1: 26 of 1,613,522 alleles (0.0016%); highest among the groups gnomAD compares: African/African-American, 0.0027%; no homozygotes.

Submissions (2):

PreventionGenetics, part of Exact Sciences
Classification: Uncertain significance for ERBIN-related condition. Last evaluated: 2026-05-15. Review status: criteria provided, single submitter. Criteria: ACMG Guidelines, 2015. Collection method: clinical testing. Allele origin: germline.
Comment: The ERBIN c.3580C>T variant is predicted to result in the amino acid substitution p.Arg1194Cys. To our knowledge, this variant has not been reported in the literature. This variant is reported in 0.0018% of alleles in individuals of European (Non-Finnish) descent in gnomAD. At this time, the clinical significance of this variant is uncertain due to the absence of conclusive functional and genetic evidence.

Labcorp Genetics (formerly Invitae), Labcorp
Classification: Uncertain significance. Last evaluated: 2024-07-17. Review status: criteria provided, single submitter. Criteria: Invitae Variant Classification Sherloc (09022015). Collection method: clinical testing. Allele origin: germline.
Comment: This sequence change replaces arginine, which is basic and polar, with cysteine, which is neutral and slightly polar, at codon 1194 of the ERBIN protein (p.Arg1194Cys). The frequency data for this variant in the population databases is considered unreliable, as metrics indicate poor data quality at this position in the gnomAD database. This variant has not been reported in the literature in individuals affected with ERBIN-related conditions. An algorithm developed to predict the effect of missense changes on protein structure and function (PolyPhen-2) suggests that this variant is likely to be tolerated. In summary, the available evidence is currently insufficient to determine the role of this variant in disease. Therefore, it has been classified as a Variant of Uncertain Significance.